The following is an entry in ClinVar:

ClinVar aggregate classification (germline): Benign/Likely benign. Review status: criteria provided, multiple submitters, no conflicts (2 of 4 stars). 4 submissions from 4 submitters: Benign (2); Likely benign (1). 1 of the submissions does not count toward it. Last evaluated 2024-02-01.

Conditions:
MYT1-related disorder. Also called: MYT1-related condition.

Allele frequency attached by ClinVar (database versions not stated): 1000 Genomes Project 30x 0.00109; 1000 Genomes Project 0.00120; ESP Exome Variant Server 0.00323; TOPMed 0.00335; gnomAD 0.00401; gnomAD exomes 0.00401; ExAC 0.00487.
gnomAD v4.1: 8,073 of 1,614,168 alleles (0.5%); highest among the groups gnomAD compares: Non-Finnish European, 0.63%; 29 homozygotes.

Submissions (4):

CeGaT Center for Human Genetics Tuebingen
Classification: Likely benign. Last evaluated: 2024-02-01. Review status: criteria provided, single submitter. Criteria: CeGaT Center For Human Genetics Tuebingen Variant Classification Criteria Version 2. Collection method: clinical testing. Allele origin: germline. Affected: yes. Observed: 1 variant allele.
Comment: MYT1: BS2

Labcorp Genetics (formerly Invitae), Labcorp
Classification: Benign. Last evaluated: 2019-12-31. Review status: criteria provided, single submitter. Criteria: Invitae Variant Classification Sherloc (09022015). Collection method: clinical testing. Allele origin: germline.

Breakthrough Genomics
Classification: Benign. Review status: criteria provided, single submitter. Criteria: ACMG Guidelines, 2015. Collection method: not provided. Allele origin: germline. Inheritance: Unknown mechanism. Affected: yes.

PreventionGenetics, part of Exact Sciences
Classification: Benign for MYT1-related condition. Last evaluated: 2019-09-18. Review status: no assertion criteria provided. Collection method: clinical testing. Allele origin: germline. Not counted in ClinVar's aggregate classification.
Comment: This variant is classified as benign based on ACMG/AMP sequence variant interpretation guidelines (Richards et al. 2015 PMID: 25741868, with internal and published modifications).

NM_004535.3(MYT1):c.315G>A (p.Ser105=)

Gene: MYT1 (myelin transcription factor 1; plus strand). Cytogenetic location: 20q13.33.
Variant type: single nucleotide variant.
Coding change: c.315G>A on transcript NM_004535.3 (MANE Select); coding-DNA position 315, G replaced by A.
Protein change: p.Ser105=; no amino-acid change (serine 105 retained).
Molecular consequence: synonymous variant.
Genome position (GRCh38, 1-based): chr20:64,205,718, G>A. VCF-style: chr20-64205718-G-A. GRCh37 (hg19) VCF-style: chr20-62837071-G-A.
Identifiers: ClinVar variation 779474 (VCV000779474.28), dbSNP rs143116197, ClinGen allele CA9974536.